The following is an entry in ClinVar:

NM_000138.5(FBN1):c.2987_2988dup (p.Pro997fs)

Gene: FBN1 (fibrillin 1; minus strand). Cytogenetic location: 15q21.1.
Variant type: Microsatellite.
Coding change: c.2987_2988dup on transcript NM_000138.5 (MANE Select); coding-DNA positions 2987 to 2988, 2 bases duplicated (GT; older notation c.2987_2988dupGT).
Protein change: p.Pro997fs; shifts the reading frame from proline 997.
Molecular consequence: frameshift variant.
Genome position (GRCh38, 1-based): chr15:48,489,945-48,489,946, AC duplicated on the plus strand (GT on the coding strand, the reverse complement: FBN1 is on the minus strand); duplicating any 2 consecutive bases within chr15:48,489,945-48,489,948 gives the same sequence; the c. name uses the placement nearest the transcript's 3' end. VCF-style (leftmost placement, unchanged base first): chr15-48489944-G-GAC. GRCh37 (hg19) VCF-style: chr15-48782141-G-GAC.
Other names: c.2987_2988dup, p.Pro997fs (NM_001406716.1); short protein forms P997fs.
Identifiers: ClinVar variation 4784707 (VCV004784707.1).

ClinVar aggregate classification (germline): Pathogenic (1 of 4 stars; one submission).

Conditions:
Marfan syndrome (MFS). Also called: FBN1-Related Marfan Syndrome; MARFAN SYNDROME, TYPE I; Marfan syndrome type 1; Marfan's syndrome; Marfan syndrome, classic. Identifiers: Orphanet 284963, Orphanet 558, MedGen C0024796, MONDO:0007947, OMIM 154700.
Familial thoracic aortic aneurysm and aortic dissection (TAAD). Also called: Thoracic aortic aneurysms and dissections. Identifiers: Orphanet 91387, MedGen C4707243, MONDO:0019625.

Submission:

Labcorp Genetics (formerly Invitae), Labcorp
Classification: Pathogenic for Marfan syndrome; Familial thoracic aortic aneurysm and aortic dissection. Last evaluated: 2025-04-13. Review status: criteria provided, single submitter. Criteria: Invitae Variant Classification Sherloc (09022015). Collection method: clinical testing. Allele origin: germline.
Comment: This sequence change creates a premature translational stop signal (p.Pro997Valfs*3) in the FBN1 gene. It is expected to result in an absent or disrupted protein product. Loss-of-function variants in FBN1 are known to be pathogenic (PMID: 17657824, 19293843). This variant is not present in population databases (gnomAD no frequency). This variant has not been reported in the literature in individuals affected with FBN1-related conditions. For these reasons, this variant has been classified as Pathogenic.

Literature cited by the submitters: PubMed 17657824; PubMed 19293843.